The following is an entry in ClinVar:

NM_030958.3(SLCO5A1):c.1534G>A (p.Gly512Ser)

Gene: SLCO5A1 (solute carrier organic anion transporter family member 5A1; minus strand). Cytogenetic location: 8q13.3.
Variant type: single nucleotide variant.
Coding change: c.1534G>A on transcript NM_030958.3 (MANE Select); coding-DNA position 1534, G replaced by A.
Protein change: p.Gly512Ser; replaces glycine 512 with serine.
Molecular consequence: missense variant.
Genome position (GRCh38, 1-based): chr8:69,705,119, C>T on the plus strand (G>A on the coding strand, the complement: SLCO5A1 is on the minus strand). VCF-style: chr8-69705119-C-T. GRCh37 (hg19) VCF-style: chr8-70617354-C-T.
Other names: c.1534G>A, p.Gly512Ser (NM_001146008.2); c.1369G>A, p.Gly457Ser (NM_001146009.1); short protein forms G457S, G512S.
Identifiers: ClinVar variation 2705394 (VCV002705394.3), dbSNP rs2487332696, ClinGen allele CA371227358.
Genomic context (GRCh38, chr8:69,705,119, plus strand): 5'-CTAGATTAATGCTTTCACATCCAACAATAAATAGGGTTGAAAAACATAGTAAAGACACAC[C>T]ACTGCAGATCATTGCTAGTTTTGCAGATTCTCTGGCACCAAGTTTCAATTTTTTTATAAT-3'
Protein context (NP_112220.2, residues 502-522): ESAKLAMICS[Gly512Ser]VSLLCFSTLF

ClinVar aggregate classification (germline): Uncertain significance (1 of 4 stars; one submission).

Allele frequency attached by ClinVar (database versions not stated): gnomAD exomes below 0.00001.
gnomAD v4.1: 1 of 1,614,158 alleles (0.000062%); highest among the groups gnomAD compares: Non-Finnish European, 0.000085%; no homozygotes.

Submission:

Labcorp Genetics (formerly Invitae), Labcorp
Classification: Uncertain significance. Last evaluated: 2023-12-25. Review status: criteria provided, single submitter. Criteria: Invitae Variant Classification Sherloc (09022015). Collection method: clinical testing. Allele origin: germline.
Comment: This sequence change replaces glycine, which is neutral and non-polar, with serine, which is neutral and polar, at codon 512 of the SLCO5A1 protein (p.Gly512Ser). This variant is not present in population databases (gnomAD no frequency). This variant has not been reported in the literature in individuals affected with SLCO5A1-related conditions. An algorithm developed to predict the effect of missense changes on protein structure and function (PolyPhen-2) suggests that this variant is likely to be disruptive. In summary, the available evidence is currently insufficient to determine the role of this variant in disease. Therefore, it has been classified as a Variant of Uncertain Significance.